The following is an entry in ClinVar:

ClinVar aggregate classification (germline): Uncertain significance (1 of 4 stars; one submission).

gnomAD v4.1: 8 of 1,612,950 alleles (0.0005%); highest among the groups gnomAD compares: Non-Finnish European, 0.00059%; no homozygotes.

Submission:

GeneDx
Classification: Uncertain significance. Last evaluated: 2024-02-21. Review status: criteria provided, single submitter. Criteria: GeneDx Variant Classification Process June 2021. Collection method: clinical testing. Allele origin: germline. Affected: yes.
Comment: Not observed at significant frequency in large population cohorts (gnomAD); In silico analysis supports that this missense variant has a deleterious effect on protein structure/function; Has not been previously published as pathogenic or benign to our knowledge

NM_002471.4(MYH6):c.1138G>C (p.Glu380Gln)

Gene: MYH6 (myosin heavy chain 6; minus strand). Cytogenetic location: 14q11.2.
Variant type: single nucleotide variant.
Coding change: c.1138G>C on transcript NM_002471.4 (MANE Select); coding-DNA position 1138, G replaced by C.
Protein change: p.Glu380Gln; replaces glutamic acid 380 with glutamine.
Molecular consequence: missense variant.
Genome position (GRCh38, 1-based): chr14:23,402,467, C>G on the plus strand (G>C on the coding strand, the complement: MYH6 is on the minus strand). VCF-style: chr14-23402467-C-G. GRCh37 (hg19) VCF-style: chr14-23871676-C-G.
Other names: short protein forms E380Q.
Identifiers: ClinVar variation 3369447 (VCV003369447.1).
Genomic context (GRCh38, chr14:23,402,467, plus strand): 5'-CAGAGAGCCTGGTCAGCACCTCAGGCCTTCCCAGGGCTGCCTGCCTGCCCCTCCCACCTT[C>G]GGTGCCGTCTGGCTCCGCCTGCTCCTCCCGCTGCTTCTGCTTGAACTTCATGTTCCCGTA-3'
Protein context (NP_002462.2, residues 370-390): REEQAEPDGT[Glu380Gln]DADKSAYLMG